The following is an entry in ClinVar:

ClinVar aggregate classification (germline): Uncertain significance (1 of 4 stars; one submission).

Submission:

GeneDx
Classification: Uncertain significance. Last evaluated: 2025-12-01. Review status: criteria provided, single submitter. Criteria: GeneDx Variant Classification Process June 2021. Collection method: clinical testing. Allele origin: germline.
Comment: Not observed at significant frequency in large population cohorts (gnomAD); In silico analysis suggests that this missense variant does not alter protein structure/function; Has not been previously published as pathogenic or benign to our knowledge

NM_000142.5(FGFR3):c.184C>A (p.Pro62Thr)

Gene: FGFR3 (fibroblast growth factor receptor 3; plus strand). Cytogenetic location: 4p16.3.
Variant type: single nucleotide variant.
Coding change: c.184C>A on transcript NM_000142.5 (MANE Select); coding-DNA position 184, C replaced by A.
Protein change: p.Pro62Thr; replaces proline 62 with threonine.
Molecular consequence: missense variant. On other transcripts: non-coding transcript variant (1).
Genome position (GRCh38, 1-based): chr4:1,799,328, C>A. VCF-style: chr4-1799328-C-A. GRCh37 (hg19) VCF-style: chr4-1801055-C-A.
Other names: c.184C>A, p.Pro62Thr (NM_001163213.2, NM_001354809.2, NM_001354810.2 and 1 more transcripts); short protein forms P62T.
Identifiers: ClinVar variation 4057031 (VCV004057031.2).
Genomic context (GRCh38, chr4:1,799,328, plus strand): 5'-GAGCCCGGCCAGCAGGAGCAGTTGGTCTTCGGCAGCGGGGATGCTGTGGAGCTGAGCTGT[C>A]CCCCGCCCGGGGGTGGTCCCATGGGGCCCACTGTCTGGGTCAAGGATGGCACAGGGCTGG-3'
Protein context (NP_000133.1, residues 52-72): GSGDAVELSC[Pro62Thr]PPGGGPMGPT